The following is an entry in ClinVar:

ClinVar aggregate classification (germline): Likely benign. Review status: criteria provided, multiple submitters, no conflicts (2 of 4 stars). 3 submissions from 3 submitters: Likely benign (2). 1 of the submissions does not count toward it. Last evaluated 2023-05-20.

Conditions:
Bardet-Biedl syndrome 6 (BBS6). Identifiers: Orphanet 110, MedGen C1858054, MONDO:0011523, OMIM 605231.
McKusick-Kaufman syndrome (MKKS). Also called: HYDROMETROCOLPOS SYNDROME; HYDROMETROCOLPOS, POSTAXIAL POLYDACTYLY, AND CONGENITAL HEART MALFORMATION. Identifiers: Orphanet 2473, MedGen C0948368, MONDO:0009367, OMIM 236700.
MKKS-related disorder. Also called: MKKS-related disorders; MKKS-related condition.
Bardet-Biedl syndrome (BBS). Identifiers: Orphanet 110, MedGen C0752166, MONDO:0015229.

Allele frequency attached by ClinVar (database versions not stated): gnomAD exomes below 0.00001; TOPMed below 0.00001; gnomAD 0.00001.
gnomAD v4.1: 2 of 1,614,076 alleles (0.00012%); highest among the groups gnomAD compares: Admixed American, 0.0017%; no homozygotes.

Submissions (3):

Labcorp Genetics (formerly Invitae), Labcorp
Classification: Likely benign for McKusick-Kaufman syndrome; Bardet-Biedl syndrome. Last evaluated: 2023-05-20. Review status: criteria provided, single submitter. Criteria: Invitae Variant Classification Sherloc (09022015). Collection method: clinical testing. Allele origin: germline.

Fulgent Genetics
Classification: Likely benign for McKusick-Kaufman syndrome; Bardet-Biedl syndrome 6. Last evaluated: 2022-03-22. Review status: criteria provided, single submitter. Criteria: ACMG Guidelines, 2015. Collection method: clinical testing. Allele origin: unknown.

PreventionGenetics, part of Exact Sciences
Classification: Likely benign for MKKS-related condition. Last evaluated: 2023-01-12. Review status: no assertion criteria provided. Collection method: clinical testing. Allele origin: germline. Not counted in ClinVar's aggregate classification.
Comment: This variant is classified as likely benign based on ACMG/AMP sequence variant interpretation guidelines (Richards et al. 2015 PMID: 25741868, with internal and published modifications).

NM_170784.3(MKKS):c.210A>C (p.Thr70=)

Gene: MKKS (MKKS centrosomal shuttling protein; minus strand). Cytogenetic location: 20p12.2.
Variant type: single nucleotide variant.
Coding change: c.210A>C on transcript NM_170784.3 (MANE Select); coding-DNA position 210, A replaced by C.
Protein change: p.Thr70=; no amino-acid change (threonine 70 retained).
Molecular consequence: synonymous variant.
Genome position (GRCh38, 1-based): chr20:10,413,305, T>G on the plus strand (A>C on the coding strand, the complement: MKKS is on the minus strand). VCF-style: chr20-10413305-T-G. GRCh37 (hg19) VCF-style: chr20-10393953-T-G.
Other names: c.210A>C, p.Thr70= (NM_018848.3).
Identifiers: ClinVar variation 1572575 (VCV001572575.10), dbSNP rs1471154105, ClinGen allele CA509815567.
Genomic context (GRCh38, chr20:10,413,305, plus strand): 5'-ATCACTGAAGCTTGACACATGATTCTGTATGGAGGCTGTCAGGATCTTTAAAATGGGATG[T>G]GTGACCAAAAGGTGACTGAGCAGAGCTGAGGACTGTGAGGTTGTACACACGTAACCTCCA-3'
Protein context (NP_740754.1, residues 60-80): SSALLSHLLV[Thr70=]HPILKILTAS